The following is an entry in ClinVar:

ClinVar aggregate classification (germline): Pathogenic (1 of 4 stars; one submission).

Conditions:
Wiedemann-Steiner syndrome (WDSTS). Also called: Growth deficiency and mental retardation with facial dysmorphism. Identifiers: Orphanet 319182, MedGen C1854630, MONDO:0011518, OMIM 605130.

Submission:

Victorian Clinical Genetics Services, Murdoch Childrens Research Institute
Classification: Pathogenic for Wiedemann-Steiner syndrome. Last evaluated: 2020-05-21. Review status: criteria provided, single submitter. Criteria: ACMG Guidelines, 2015. Collection method: clinical testing. Allele origin: germline. Inheritance: Autosomal dominant inheritance.
Comment: Based on the classification scheme VCGS_Germline_v1.1.1, this variant is classified as Pathogenic. Following criteria are met: 0102 - Loss-of-function is a known mechanism of disease for this gene. (N) 0107 - This gene is known to be associated with autosomal dominant disease. (N) 0201 - Variant is predicted to cause nonsense-mediated decay (NMD) and loss of protein (exon 31 of 36). (P) 0251 - Variant is heterozygous. (N) 0301 - Variant is absent from gnomAD. (P) 0701 - Comparable NMD causing variants have very strong previous evidence for pathogenicity (ClinVar). (P) 0807 - Variant has not previously been reported in a clinical context. (N) 0905 - No segregation evidence has been identified for this variant. (N) 1007 - No published functional evidence has been identified for this variant. (N) 1102 - Strong phenotype match. (P) 1208 - Inheritance information for this variant is not currently available. (N) Legend: (P) - Pathogenic, (N) - Neutral, (B) - Benign

NM_001197104.2(KMT2A):c.11073dup (p.Ala3692fs)

Genes: KMT2A (lysine methyltransferase 2A; plus strand), TTC36-AS1 (TTC36 and KMT2A antisense RNA 1; minus strand). Cytogenetic location: 11q23.3.
Variant type: Duplication.
Coding change: c.11073dup on transcript NM_001197104.2 (MANE Select); coding-DNA position 11073, one base duplicated (T; older notation c.11073dupT).
Protein change: p.Ala3692fs; shifts the reading frame from alanine 3692.
Molecular consequence: frameshift variant. On other transcripts: non-coding transcript variant (1).
Genome position (GRCh38, 1-based): chr11:118,511,952, T duplicated. VCF-style (leftmost placement, unchanged base first): chr11-118511951-A-AT. GRCh37 (hg19) VCF-style: chr11-118382666-A-AT.
Other names: c.11073dupT (NM_001197104.1); c.11163dup, p.Ala3722Cysfs (NM_001412597.1); c.11064dup, p.Ala3689fs (NM_005933.4); short protein forms A3689fs, A3692fs.
Identifiers: ClinVar variation 1805571 (VCV001805571.1), dbSNP rs2497062538, ClinGen allele CA923726178.